The following is an entry in ClinVar:

ClinVar aggregate classification (germline): Uncertain significance (1 of 4 stars; one submission).

Conditions:
Epidermolysis bullosa simplex with nail dystrophy (EBS5D). Identifiers: MedGen C4225309, MONDO:0014661, OMIM 616487.
Epidermolysis bullosa simplex 5B, with muscular dystrophy (EBS5B). Also called: EPIDERMOLYSIS BULLOSA SIMPLEX AND LIMB-GIRDLE MUSCULAR DYSTROPHY; Epidermolysis bullosa simplex with muscular dystrophy. Identifiers: Orphanet 257, MedGen C2931072, MONDO:0009181, OMIM 226670.
Epidermolysis bullosa simplex, Ogna type (EBS5A). Also called: Pidermolysis bullosa simplex 5A, Ogna type; EPIDERMOLYSIS BULLOSA SIMPLEX 5A, OGNA TYPE. Identifiers: Orphanet 79401, MedGen C0432317, MONDO:0007555, OMIM 131950.
Autosomal recessive limb-girdle muscular dystrophy type 2Q (LGMDR17). Also called: MUSCULAR DYSTROPHY, LIMB-GIRDLE, AUTOSOMAL RECESSIVE 17. Identifiers: Orphanet 254361, MedGen C3150989, MONDO:0013390, OMIM 613723.
Epidermolysis bullosa simplex 5C, with pyloric atresia (EBS5C). Also called: Epidermolysis bullosa simplex with pyloric atresia; PLEC-Related Epidermolysis Bullosa with Pyloric Atresia; PLEC1-Related Epidermolysis Bullosa with Pyloric Atresia. Identifiers: Orphanet 158684, MedGen C2677349, MONDO:0012807, OMIM 612138.

Allele frequency attached by ClinVar (database versions not stated): gnomAD 0.00001; ExAC 0.00002; gnomAD exomes 0.00001; ESP Exome Variant Server 0.00008.
gnomAD v4.1: 21 of 1,613,598 alleles (0.0013%); highest among the groups gnomAD compares: Middle Eastern, 0.016%; no homozygotes.

Submission:

Labcorp Genetics (formerly Invitae), Labcorp
Classification: Uncertain significance for Autosomal recessive limb-girdle muscular dystrophy type 2Q; Epidermolysis bullosa simplex, Ogna type; Epidermolysis bullosa simplex with nail dystrophy; Epidermolysis bullosa simplex 5C, with pyloric atresia; Epidermolysis bullosa simplex 5B, with muscular dystrophy. Last evaluated: 2025-02-20. Review status: criteria provided, single submitter. Criteria: Invitae Variant Classification Sherloc (09022015). Collection method: clinical testing. Allele origin: germline.
Comment: This sequence change replaces valine, which is neutral and non-polar, with methionine, which is neutral and non-polar, at codon 2853 of the PLEC protein (p.Val2853Met). This variant is present in population databases (rs371422018, gnomAD 0.01%). This variant has not been reported in the literature in individuals affected with PLEC-related conditions. ClinVar contains an entry for this variant (Variation ID: 2156248). An algorithm developed to predict the effect of missense changes on protein structure and function (PolyPhen-2) suggests that this variant is likely to be disruptive. In summary, the available evidence is currently insufficient to determine the role of this variant in disease. Therefore, it has been classified as a Variant of Uncertain Significance.

NM_201384.3(PLEC):c.8476G>A (p.Val2826Met)

Gene: PLEC (plectin; minus strand). Cytogenetic location: 8q24.3.
Variant type: single nucleotide variant.
Coding change: c.8476G>A on transcript NM_201384.3 (MANE Select); coding-DNA position 8476, G replaced by A.
Protein change: p.Val2826Met; replaces valine 2826 with methionine.
Molecular consequence: missense variant.
Genome position (GRCh38, 1-based): chr8:143,921,345, C>T on the plus strand (G>A on the coding strand, the complement: PLEC is on the minus strand). VCF-style: chr8-143921345-C-T. GRCh37 (hg19) VCF-style: chr8-144995513-C-T.
Other names: c.8557G>A, p.Val2853Met (NM_000445.5); c.5176G>A, p.Val1726Met (NM_001410941.1); c.8434G>A, p.Val2812Met (NM_201378.4); c.8410G>A, p.Val2804Met (NM_201379.3); c.8887G>A, p.Val2963Met (NM_201380.4); c.8380G>A, p.Val2794Met (NM_201381.3); c.8476G>A, p.Val2826Met (NM_201382.4); c.8488G>A, p.Val2830Met (NM_201383.3); short protein forms V2804M, V1726M, V2826M, V2830M, V2853M, V2794M, V2812M, V2963M.
Identifiers: ClinVar variation 2156248 (VCV002156248.4), dbSNP rs371422018, ClinGen allele CA4925297.